The following is an entry in ClinVar:

ClinVar aggregate classification (germline): Uncertain significance. Review status: criteria provided, multiple submitters, no conflicts (2 of 4 stars). 2 submissions from 2 submitters: Uncertain significance (2). Last evaluated 2020-03-05.

Conditions:
Congenital muscular dystrophy due to partial LAMA2 deficiency. Identifiers: MedGen C1842898.
LAMA2-related muscular dystrophy (LAMA2-RD). Also called: Laminin alpha 2-related dystrophy. Identifiers: MedGen C5679788, MONDO:0100228.

Allele frequency attached by ClinVar (database versions not stated): TOPMed below 0.00001; gnomAD 0.00001.
gnomAD v4.1: 1 of 1,613,920 alleles (0.000062%); highest among the groups gnomAD compares: Admixed American, 0.0017%; no homozygotes.

Submissions (2):

Labcorp Genetics (formerly Invitae), Labcorp
Classification: Uncertain significance for LAMA2-related muscular dystrophy. Last evaluated: 2020-03-05. Review status: criteria provided, single submitter. Criteria: Invitae Variant Classification Sherloc (09022015). Collection method: clinical testing. Allele origin: germline.
Comment: This sequence change replaces cysteine with serine at codon 390 of the LAMA2 protein (p.Cys390Ser). The cysteine residue is moderately conserved and there is a moderate physicochemical difference between cysteine and serine. This variant is not present in population databases (ExAC no frequency). This variant has not been reported in the literature in individuals with LAMA2-related conditions. ClinVar contains an entry for this variant (Variation ID: 355247). Algorithms developed to predict the effect of missense changes on protein structure and function are either unavailable or do not agree on the potential impact of this missense change (SIFT: "Tolerated"; PolyPhen-2: "Probably Damaging"; Align-GVGD: "Class C0"). In summary, the available evidence is currently insufficient to determine the role of this variant in disease. Therefore, it has been classified as a Variant of Uncertain Significance.

Illumina Laboratory Services, Illumina
Classification: Uncertain significance for Congenital muscular dystrophy due to partial LAMA2 deficiency. Last evaluated: 2018-01-13. Review status: criteria provided, single submitter. Criteria: ICSL Variant Classification Criteria 13 December 2019. Collection method: clinical testing. Allele origin: germline.

NM_000426.4(LAMA2):c.1169G>C (p.Cys390Ser)

Gene: LAMA2 (laminin subunit alpha 2; plus strand). Cytogenetic location: 6q22.33.
Variant type: single nucleotide variant.
Coding change: c.1169G>C on transcript NM_000426.4 (MANE Select); coding-DNA position 1169, G replaced by C.
Protein change: p.Cys390Ser; replaces cysteine 390 with serine.
Molecular consequence: missense variant.
Genome position (GRCh38, 1-based): chr6:129,154,646, G>C. VCF-style: chr6-129154646-G-C. GRCh37 (hg19) VCF-style: chr6-129475791-G-C.
Other names: c.1169G>C, p.Cys390Ser (NM_001079823.2); short protein forms C390S.
Identifiers: ClinVar variation 355247 (VCV000355247.15), dbSNP rs886061045, ClinGen allele CA10625838.